The following is an entry in ClinVar:

ClinVar aggregate classification (germline): Benign/Likely benign. Review status: criteria provided, multiple submitters, no conflicts (2 of 4 stars). 7 submissions from 7 submitters: Benign (2); Likely benign (5). Last evaluated 2026-09-01.

Conditions:
Inborn genetic diseases. Identifiers: MedGen C0950123, MeSH D030342.

Allele frequency attached by ClinVar (database versions not stated): 1000 Genomes Project 30x 0.00312; 1000 Genomes Project 0.00359; gnomAD 0.00455 and 0.00462; TOPMed 0.00473; ESP Exome Variant Server 0.00477; gnomAD exomes 0.00557 and 0.00635; ExAC 0.00589.
gnomAD v4.1: 9,912 of 1,613,658 alleles (0.61%); highest among the groups gnomAD compares: Non-Finnish European, 0.71%; 52 homozygotes.

Submissions (7):

CeGaT Center for Human Genetics Tuebingen
Classification: Likely benign. Last evaluated: 2026-09-01. Review status: criteria provided, single submitter. Criteria: CeGaT Center For Human Genetics Tuebingen Variant Classification Criteria Version 2. Collection method: clinical testing. Allele origin: germline. Affected: yes. Observed: 20 variant alleles.
Comment: SAMD9: PM5, BP4, BS2

Labcorp Genetics (formerly Invitae), Labcorp
Classification: Benign. Last evaluated: 2026-02-03. Review status: criteria provided, single submitter. Criteria: Invitae Variant Classification Sherloc (09022015). Collection method: clinical testing. Allele origin: germline.

ARUP Laboratories, Molecular Genetics and Genomics, ARUP Laboratories
Classification: Likely benign. Last evaluated: 2025-07-03. Review status: criteria provided, single submitter. Criteria: ARUP Molecular Germline Variant Investigation Process 2024. Collection method: clinical testing. Allele origin: germline.

Ambry Genetics
Classification: Likely benign for Inborn genetic diseases. Last evaluated: 2024-10-02. Review status: criteria provided, single submitter. Criteria: Ambry Variant Classification Scheme 2023. Collection method: clinical testing. Allele origin: germline.

GeneDx
Classification: Likely benign. Last evaluated: 2021-06-21. Review status: criteria provided, single submitter. Criteria: GeneDx Variant Classification Process June 2021. Collection method: clinical testing. Allele origin: germline. Affected: yes.

Genetic Services Laboratory, University of Chicago
Classification: Benign. Last evaluated: 2021-06-08. Review status: criteria provided, single submitter. Criteria: ACMG Guidelines, 2015. Collection method: clinical testing. Allele origin: germline. Affected: no.

Breakthrough Genomics
Classification: Likely benign. Review status: criteria provided, single submitter. Criteria: ACMG Guidelines, 2015. Collection method: not provided. Allele origin: germline. Inheritance: Autosomal recessive inheritance. Affected: yes.

NM_017654.4(SAMD9):c.4666G>A (p.Ala1556Thr)

Gene: SAMD9 (sterile alpha motif domain containing 9; minus strand). Cytogenetic location: 7q21.2.
Variant type: single nucleotide variant.
Coding change: c.4666G>A on transcript NM_017654.4 (MANE Select); coding-DNA position 4666, G replaced by A.
Protein change: p.Ala1556Thr; replaces alanine 1556 with threonine.
Molecular consequence: missense variant.
Genome position (GRCh38, 1-based): chr7:93,101,432, C>T on the plus strand (G>A on the coding strand, the complement: SAMD9 is on the minus strand). VCF-style: chr7-93101432-C-T. GRCh37 (hg19) VCF-style: chr7-92730745-C-T.
Other names: c.4666G>A, p.Ala1556Thr (NM_001193307.2); short protein forms A1556T.
Identifiers: ClinVar variation 769724 (VCV000769724.43), dbSNP rs34896991, ClinGen allele CA4342513.